The following is an entry in ClinVar:

ClinVar aggregate classification (germline): Uncertain significance (1 of 4 stars; one submission).

Submission:

Dasa
Classification: Uncertain significance. Last evaluated: 2025-12-15. Review status: criteria provided, single submitter. Criteria: DASA Assertion Criteria. Collection method: clinical testing. Allele origin: germline.
Comment: NM_001348716.2(KDM6B):c.2722C>A (p.Arg908Ser) is a missense variant that results in the substitution of arginine with serine. This variant is absent from population databases. The currently available literature and clinical evidence are not sufficient to establish a definitive association between this variant and the reported condition. Therefore, this variant is classified as a variant of uncertain significance.

NM_001348716.2(KDM6B):c.2722C>A (p.Arg908Ser)

Gene: KDM6B (lysine demethylase 6B; plus strand). Cytogenetic location: 17p13.1.
Variant type: single nucleotide variant.
Coding change: c.2722C>A on transcript NM_001348716.2 (MANE Select); coding-DNA position 2722, C replaced by A.
Protein change: p.Arg908Ser; replaces arginine 908 with serine.
Molecular consequence: missense variant.
Genome position (GRCh38, 1-based): chr17:7,849,010, C>A. VCF-style: chr17-7849010-C-A. GRCh37 (hg19) VCF-style: chr17-7752328-C-A.
Other names: c.2722C>A, p.Arg908Ser (NM_001080424.2); short protein forms R908S.
Identifiers: ClinVar variation 4886012 (VCV004886012.2).